The following is an entry in ClinVar:

NM_020937.4(FANCM):c.2275A>T (p.Ile759Leu)

Gene: FANCM (FA complementation group M; plus strand). Cytogenetic location: 14q21.2.
Variant type: single nucleotide variant.
Coding change: c.2275A>T on transcript NM_020937.4 (MANE Select); coding-DNA position 2275, A replaced by T.
Protein change: p.Ile759Leu; replaces isoleucine 759 with leucine.
Molecular consequence: missense variant.
Genome position (GRCh38, 1-based): chr14:45,173,169, A>T. VCF-style: chr14-45173169-A-T. GRCh37 (hg19) VCF-style: chr14-45642372-A-T.
Other names: c.2197A>T, p.Ile733Leu (NM_001308133.2); short protein forms I733L, I759L.
Identifiers: ClinVar variation 4871140 (VCV004871140.1).

ClinVar aggregate classification (germline): Uncertain significance (1 of 4 stars; one submission).

Conditions:
Inborn genetic diseases. Identifiers: MedGen C0950123, MeSH D030342.

Submission:

Ambry Genetics
Classification: Uncertain significance for Inborn genetic diseases. Last evaluated: 2026-05-14. Review status: criteria provided, single submitter. Criteria: Ambry Variant Classification Scheme 2023. Collection method: clinical testing. Allele origin: germline.
Comment: The p.I759L variant (also known as c.2275A>T), located in coding exon 13 of the FANCM gene, results from an A to T substitution at nucleotide position 2275. The isoleucine at codon 759 is replaced by leucine, an amino acid with highly similar properties. This amino acid position is conserved. In addition, this alteration is predicted to be tolerated by in silico analysis. Based on the available evidence, the clinical significance of this variant remains unclear.